The following is an entry in ClinVar:

ClinVar aggregate classification (germline): Pathogenic (1 of 4 stars; one submission).

Submission:

Labcorp Genetics (formerly Invitae), Labcorp
Classification: Pathogenic. Last evaluated: 2023-08-28. Review status: criteria provided, single submitter. Criteria: Invitae Variant Classification Sherloc (09022015). Collection method: clinical testing. Allele origin: germline.
Comment: This variant is not present in population databases (gnomAD no frequency). This sequence change creates a premature translational stop signal (p.Lys5Serfs*3) in the GALNT3 gene. It is expected to result in an absent or disrupted protein product. Loss-of-function variants in GALNT3 are known to be pathogenic (PMID: 15133511, 20358599). For these reasons, this variant has been classified as Pathogenic. This variant has not been reported in the literature in individuals affected with GALNT3-related conditions.

Literature cited by the submitters: PubMed 15133511; PubMed 20358599.

NM_004482.4(GALNT3):c.14del (p.Lys5fs)

Gene: GALNT3 (polypeptide N-acetylgalactosaminyltransferase 3; minus strand). Cytogenetic location: 2q24.3.
Variant type: Deletion.
Coding change: c.14del on transcript NM_004482.4 (MANE Select); coding-DNA position 14, one base deleted (A; older notation c.14delA).
Protein change: p.Lys5fs; shifts the reading frame from lysine 5.
Molecular consequence: frameshift variant.
Genome position (GRCh38, 1-based): chr2:165,770,687, T deleted on the plus strand (A on the coding strand, the reverse complement: GALNT3 is on the minus strand); the first of 3 consecutive T bases (chr2:165,770,687-165,770,689); deleting any one gives the same sequence. VCF-style (leftmost placement, unchanged base first): chr2-165770686-CT-C. GRCh37 (hg19) VCF-style: chr2-166627196-CT-C.
Other names: short protein forms K5fs.
Identifiers: ClinVar variation 2804579 (VCV002804579.3), dbSNP rs2467890308, ClinGen allele CA2661747932.